The following is an entry in ClinVar:

ClinVar aggregate classification (germline): Uncertain significance (1 of 4 stars; one submission).

Conditions:
Immunodeficiency 39 (IMD39). Identifiers: Orphanet 574918, MedGen C4225358, MONDO:0014597, OMIM 616345.

Allele frequency attached by ClinVar (database versions not stated): TOPMed below 0.00001; gnomAD exomes 0.00003.

Submission:

Labcorp Genetics (formerly Invitae), Labcorp
Classification: Uncertain significance for Immunodeficiency 39. Last evaluated: 2026-01-06. Review status: criteria provided, single submitter. Criteria: Invitae Variant Classification Sherloc (09022015). Collection method: clinical testing. Allele origin: germline.
Comment: This sequence change replaces leucine, which is neutral and non-polar, with phenylalanine, which is neutral and non-polar, at codon 137 of the IRF7 protein (p.Leu137Phe). This variant is not present in population databases (gnomAD no frequency). This variant has not been reported in the literature in individuals affected with IRF7-related conditions. ClinVar contains an entry for this variant (Variation ID: 2798354). Invitae Evidence Modeling of protein sequence and biophysical properties (such as structural, functional, and spatial information, amino acid conservation, physicochemical variation, residue mobility, and thermodynamic stability) indicates that this missense variant is not expected to disrupt IRF7 protein function with a negative predictive value of 80%. In summary, the available evidence is currently insufficient to determine the role of this variant in disease. Therefore, it has been classified as a Variant of Uncertain Significance.

NM_001572.5(IRF7):c.370C>T (p.Leu124Phe)

Gene: IRF7 (interferon regulatory factor 7; minus strand). Cytogenetic location: 11p15.5.
Variant type: single nucleotide variant.
Coding change: c.370C>T on transcript NM_001572.5 (MANE Select); coding-DNA position 370, C replaced by T.
Protein change: p.Leu124Phe; replaces leucine 124 with phenylalanine.
Molecular consequence: missense variant.
Genome position (GRCh38, 1-based): chr11:614,821, G>A on the plus strand (C>T on the coding strand, the complement: IRF7 is on the minus strand). VCF-style: chr11-614821-G-A. GRCh37 (hg19) VCF-style: chr11-614821-G-A.
Other names: c.370C>T, p.Leu124Phe (NM_004029.4); c.409C>T, p.Leu137Phe (NM_004031.4); short protein forms L124F, L137F.
Identifiers: ClinVar variation 2798354 (VCV002798354.3), dbSNP rs1856726314, ClinGen allele CA378982878.